The following is an entry in ClinVar:

ClinVar aggregate classification (germline): Uncertain significance (1 of 4 stars; one submission).

Conditions:
Peroxisome biogenesis disorder 12A (Zellweger). Also called: Peroxisome biogenesis disorder 12A. Identifiers: Orphanet 912, MedGen C3554002, MONDO:0013951, OMIM 614886.

gnomAD v4.1: 7 of 1,614,074 alleles (0.00043%); highest among the groups gnomAD compares: Non-Finnish European, 0.00059%; no homozygotes.

Submission:

Labcorp Genetics (formerly Invitae), Labcorp
Classification: Uncertain significance for Peroxisome biogenesis disorder 12A (Zellweger). Last evaluated: 2021-07-17. Review status: criteria provided, single submitter. Criteria: Invitae Variant Classification Sherloc (09022015). Collection method: clinical testing. Allele origin: germline.
Comment: In summary, the available evidence is currently insufficient to determine the role of this variant in disease. Therefore, it has been classified as a Variant of Uncertain Significance. This sequence change replaces glutamic acid with glutamine at codon 88 of the PEX19 protein (p.Glu88Gln). The glutamic acid residue is moderately conserved and there is a small physicochemical difference between glutamic acid and glutamine. This variant is not present in population databases (ExAC no frequency). This variant has not been reported in the literature in individuals affected with PEX19-related conditions. Algorithms developed to predict the effect of missense changes on protein structure and function are either unavailable or do not agree on the potential impact of this missense change (SIFT: "Tolerated"; PolyPhen-2: "Possibly Damaging"; Align-GVGD: "Class C0").

NM_002857.4(PEX19):c.262G>C (p.Glu88Gln)

Gene: PEX19 (peroxisomal biogenesis factor 19; minus strand). Cytogenetic location: 1q23.2.
Variant type: single nucleotide variant.
Coding change: c.262G>C on transcript NM_002857.4 (MANE Select); coding-DNA position 262, G replaced by C.
Protein change: p.Glu88Gln; replaces glutamic acid 88 with glutamine.
Molecular consequence: missense variant. On other transcripts: non-coding transcript variant (2).
Genome position (GRCh38, 1-based): chr1:160,283,028, C>G on the plus strand (G>C on the coding strand, the complement: PEX19 is on the minus strand). VCF-style: chr1-160283028-C-G. GRCh37 (hg19) VCF-style: chr1-160252818-C-G.
Other names: c.262G>C, p.Glu88Gln (NM_001193644.1); short protein forms E88Q.
Identifiers: ClinVar variation 1476010 (VCV001476010.8), dbSNP rs372422266, ClinGen allele CA343263252.